The following is an entry in ClinVar:

NM_000254.3(MTR):c.2087T>G (p.Leu696Ter)

Gene: MTR (5-methyltetrahydrofolate-homocysteine methyltransferase; plus strand). Cytogenetic location: 1q43.
Variant type: single nucleotide variant.
Coding change: c.2087T>G on transcript NM_000254.3 (MANE Select); coding-DNA position 2087, T replaced by G.
Protein change: p.Leu696Ter; replaces leucine 696 with a stop codon.
Molecular consequence: nonsense. On other transcripts: intron variant (1).
Genome position (GRCh38, 1-based): chr1:236,861,168, T>G. VCF-style: chr1-236861168-T-G. GRCh37 (hg19) VCF-style: chr1-237024468-T-G.
Other names: c.866T>G, p.Leu289Ter (NM_001291940.2); c.2087T>G, p.Leu696Ter (NM_001410942.1); c.2044-1068T>G (NM_001291939.1); short protein forms L289*, L696*.
Identifiers: ClinVar variation 2753126 (VCV002753126.3), dbSNP rs2528240978, ClinGen allele CA345376785.
Genomic context (GRCh38, chr1:236,861,168, plus strand): 5'-TTTTTTGTCTTTTTTAGGGCATTGAAAAACATATTATTGAGGATACTGAGGAAGCCAGGT[T>G]AAACCAAAAAAAATATCCCCGACCTCTCAATATAATTGAAGGACCCCTGATGAATGGAAT-3'

ClinVar aggregate classification (germline): Pathogenic (1 of 4 stars; one submission).

Conditions:
Methylcobalamin deficiency type cblG (HMAG). Also called: HOMOCYSTINURIA-MEGALOBLASTIC ANEMIA, cblG COMPLEMENTATION TYPE; Functional methionine synthase deficiency type cblG; HOMOCYSTINURIA-MEGALOBLASTIC ANEMIA DUE TO DEFECT IN COBALAMIN METABOLISM, cblG COMPLEMENTATION TYPE; HOMOCYSTINURIA-MEGALOBLASTIC ANEMIA, cblG TYPE. Identifiers: Orphanet 2170, Orphanet 622, MedGen C1855128, MONDO:0009609, OMIM 250940.

Submission:

Labcorp Genetics (formerly Invitae), Labcorp
Classification: Pathogenic for Methylcobalamin deficiency type cblG. Last evaluated: 2023-08-16. Review status: criteria provided, single submitter. Criteria: Invitae Variant Classification Sherloc (09022015). Collection method: clinical testing. Allele origin: germline.
Comment: For these reasons, this variant has been classified as Pathogenic. This variant has not been reported in the literature in individuals affected with MTR-related conditions. This variant is not present in population databases (gnomAD no frequency). This sequence change creates a premature translational stop signal (p.Leu696*) in the MTR gene. It is expected to result in an absent or disrupted protein product. Loss-of-function variants in MTR are known to be pathogenic (PMID: 9683607, 12068375).

Literature cited by the submitters: PubMed 9683607; PubMed 12068375.